The following is an entry in ClinVar:

ClinVar aggregate classification (germline): Likely benign. Review status: criteria provided, multiple submitters, no conflicts (2 of 4 stars). 5 submissions from 5 submitters: Likely benign (4). 1 of the submissions does not count toward it. Last evaluated 2025-09-26.

Conditions:
TTN-related disorder. Also called: TTN-related disorders; TTN-related condition; TTN-related disease.
Dilated cardiomyopathy 1G (CMD1G). Identifiers: Orphanet 154, MedGen C1858763, MONDO:0011400, OMIM 604145.
Autosomal recessive limb-girdle muscular dystrophy type 2J (LGMDR10). Also called: MUSCULAR DYSTROPHY, LIMB-GIRDLE, AUTOSOMAL RECESSIVE 10; Limb-girdle muscular dystrophy, type 2J. Identifiers: Orphanet 140922, MedGen C1837342, MONDO:0012127, OMIM 608807.

Allele frequency attached by ClinVar (database versions not stated): gnomAD 0.00001; gnomAD exomes 0.00001 and 0.00002; ExAC 0.00002.
gnomAD v4.1: 23 of 1,612,802 alleles (0.0014%); highest among the groups gnomAD compares: Admixed American, 0.005%; no homozygotes.

Submissions (5):

Labcorp Genetics (formerly Invitae), Labcorp
Classification: Likely benign for Dilated cardiomyopathy 1G; Autosomal recessive limb-girdle muscular dystrophy type 2J. Last evaluated: 2025-09-26. Review status: criteria provided, single submitter. Criteria: Invitae Variant Classification Sherloc (09022015). Collection method: clinical testing. Allele origin: germline.

Molecular Diagnostic Laboratory for Inherited Cardiovascular Disease, Montreal Heart Institute
Classification: Likely benign. Last evaluated: 2025-07-24. Review status: criteria provided, single submitter. Criteria: ACMG Guidelines, 2015. Collection method: clinical testing. Allele origin: germline. Affected: no.
Comment: BP7

Blueprint Genetics
Classification: Likely benign. Last evaluated: 2024-11-05. Review status: criteria provided, single submitter. Criteria: ACMG Guidelines, 2015. Collection method: clinical testing. Allele origin: germline.

Genetic Services Laboratory, University of Chicago
Classification: Likely benign. Last evaluated: 2016-03-04. Review status: criteria provided, single submitter. Criteria: ACMG Guidelines, 2015. Collection method: clinical testing. Allele origin: germline. Affected: no.

PreventionGenetics, part of Exact Sciences
Classification: Likely benign for TTN-related condition. Last evaluated: 2023-08-24. Review status: no assertion criteria provided. Collection method: clinical testing. Allele origin: germline. Not counted in ClinVar's aggregate classification.
Comment: This variant is classified as likely benign based on ACMG/AMP sequence variant interpretation guidelines (Richards et al. 2015 PMID: 25741868, with internal and published modifications).

NM_001267550.2(TTN):c.39282T>C (p.Ser13094=)

Gene: TTN (titin; minus strand). Cytogenetic location: 2q31.2.
Variant type: single nucleotide variant.
Coding change: c.39282T>C on transcript NM_001267550.2 (MANE Select); coding-DNA position 39282, T replaced by C.
Protein change: p.Ser13094=; no amino-acid change (serine 13094 retained).
Molecular consequence: synonymous variant. On other transcripts: intron variant (3).
Genome position (GRCh38, 1-based): chr2:178,652,109, A>G on the plus strand (T>C on the coding strand, the complement: TTN is on the minus strand). VCF-style: chr2-178652109-A-G. GRCh37 (hg19) VCF-style: chr2-179516836-A-G.
Other names: c.34761T>C, p.Ser11587= (NM_001256850.1); c.31980T>C, p.Ser10660= (NM_133378.4); c.13283-9792T>C (NM_003319.4); c.13859-9792T>C (NM_133437.4); c.13658-9792T>C (NM_133432.3).
Identifiers: ClinVar variation 437094 (VCV000437094.13), dbSNP rs773883685, ClinGen allele CA1996795.